The following is an entry in ClinVar:

ClinVar aggregate classification (germline): Likely benign (1 of 4 stars; one submission).

Conditions:
SEMA3D-related disorder. Also called: SEMA3D-related condition.

Submission:

PreventionGenetics, part of Exact Sciences
Classification: Likely benign for SEMA3D-related condition. Last evaluated: 2025-01-18. Review status: criteria provided, single submitter. Criteria: ACMG Guidelines, 2015. Collection method: clinical testing. Allele origin: germline.
Comment: This variant is classified as likely benign based on ACMG/AMP sequence variant interpretation guidelines (Richards et al. 2015 PMID: 25741868, with internal and published modifications).

NM_001384900.1(SEMA3D):c.738T>G (p.Thr246=)

Gene: SEMA3D (semaphorin 3D; minus strand). Cytogenetic location: 7q21.11.
Variant type: single nucleotide variant.
Coding change: c.738T>G on transcript NM_001384900.1 (MANE Select); coding-DNA position 738, T replaced by G.
Protein change: p.Thr246=; no amino-acid change (threonine 246 retained).
Molecular consequence: synonymous variant.
Genome position (GRCh38, 1-based): chr7:85,055,840, A>C on the plus strand (T>G on the coding strand, the complement: SEMA3D is on the minus strand). VCF-style: chr7-85055840-A-C. GRCh37 (hg19) VCF-style: chr7-84685156-A-C.
Other names: c.738T>G, p.Thr246= (NM_001384901.1, NM_001384902.1, NM_001384903.1 and 1 more transcripts).
Identifiers: ClinVar variation 4989463 (VCV004989463.1).